The following is an entry in ClinVar:

NM_002335.4(LRP5):c.1915A>G (p.Thr639Ala)

Gene: LRP5 (LDL receptor related protein 5; plus strand). Cytogenetic location: 11q13.2.
Variant type: single nucleotide variant.
Coding change: c.1915A>G on transcript NM_002335.4 (MANE Select); coding-DNA position 1915, A replaced by G.
Protein change: p.Thr639Ala; replaces threonine 639 with alanine.
Molecular consequence: missense variant.
Genome position (GRCh38, 1-based): chr11:68,406,637, A>G. VCF-style: chr11-68406637-A-G. GRCh37 (hg19) VCF-style: chr11-68174105-A-G.
Other names: c.172A>G, p.Thr58Ala (NM_001291902.2); short protein forms T58A, T639A.
Identifiers: ClinVar variation 4291997 (VCV004291997.1).
Genomic context (GRCh38, chr11:68,406,637, plus strand): 5'-ACACCCCACGCAACCCGGTGTGGCTGCCCCATCGGCCTGGAGCTGCTGAGTGACATGAAG[A>G]CCTGCATCGTGCCTGAGGCCTTCTTGGTCTTCACCAGCAGAGCCGCCATCCACAGGATCT-3'
Protein context (NP_002326.2, residues 629-649): IGLELLSDMK[Thr639Ala]CIVPEAFLVF

ClinVar aggregate classification (germline): Uncertain significance (1 of 4 stars; one submission).

Conditions:
LRP5-related disorder. Also called: LRP5-related condition.

Submission:

3billion
Classification: Uncertain significance for LRP5-related disorder. Last evaluated: 2025-02-28. Review status: criteria provided, single submitter. Criteria: ACMG Guidelines, 2015. Collection method: clinical testing. Allele origin: germline. Affected: yes.
Comment: The variant is not observed in the gnomAD v4.1.0 dataset. Predicted Consequence/Location: Missense variant In silico tool predictions suggest damaging effect of the variant on gene or gene product [REVEL: 0.82 (>=0.6, sensitivity 0.68 and specificity 0.92); 3Cnet: 0.83 (> 0.75, sensitivity 0.96 and precision 0.92)]. Therefore, this variant is classified as VUS according to the recommendation of ACMG/AMP guideline.